The following is an entry in ClinVar:

NM_000349.3(STAR):c.723G>A (p.Trp241Ter)

Gene: STAR (steroidogenic acute regulatory protein; minus strand). Cytogenetic location: 8p11.23.
Variant type: single nucleotide variant.
Coding change: c.723G>A on transcript NM_000349.3 (MANE Select); coding-DNA position 723, G replaced by A.
Protein change: p.Trp241Ter; replaces tryptophan 241 with a stop codon.
Molecular consequence: nonsense.
Genome position (GRCh38, 1-based): chr8:38,145,243, C>T on the plus strand (G>A on the coding strand, the complement: STAR is on the minus strand). VCF-style: chr8-38145243-C-T. GRCh37 (hg19) VCF-style: chr8-38002761-C-T.
Other names: short protein forms W241*.
Identifiers: ClinVar variation 2830333 (VCV002830333.3), dbSNP rs1460077934, ClinGen allele CA370696780.
Genomic context (GRCh38, chr8:38,145,243, plus strand): 5'-TACCACCTGCCTTCCAGGTCCCCCTCCCATGCCCTTCACCTTGAGGTCGATGCTGAGTAG[C>T]CACGTAAGTTTGGTCTTAGAGGGACTTCCAGCCAACGGGTGAAGCACCATGCAAGTGGGA-3'

ClinVar aggregate classification (germline): Pathogenic (1 of 4 stars; one submission).

Allele frequency attached by ClinVar (database versions not stated): TOPMed 0.00001.

Submission:

Labcorp Genetics (formerly Invitae), Labcorp
Classification: Pathogenic. Last evaluated: 2023-09-01. Review status: criteria provided, single submitter. Criteria: Invitae Variant Classification Sherloc (09022015). Collection method: clinical testing. Allele origin: germline.
Comment: For these reasons, this variant has been classified as Pathogenic. This variant disrupts a region of the STAR protein in which other variant(s) (p.Leu275Pro) have been determined to be pathogenic (PMID: 8729825, 8948562, 11279152, 15666846). This suggests that this is a clinically significant region of the protein, and that variants that disrupt it are likely to be disease-causing. This variant has not been reported in the literature in individuals affected with STAR-related conditions. This variant is not present in population databases (gnomAD no frequency). This sequence change creates a premature translational stop signal (p.Trp241*) in the STAR gene. While this is not anticipated to result in nonsense mediated decay, it is expected to disrupt the last 45 amino acid(s) of the STAR protein.

Literature cited by the submitters: PubMed 8729825; PubMed 8948562; PubMed 11279152; PubMed 15666846.